The following is an entry in ClinVar:

NM_000518.5(HBB):c.92+5G>T

Genes: HBB (hemoglobin subunit beta; minus strand), LOC106099062 (HBB recombination region; plus strand), LOC107133510 (origin of replication at HBB; plus strand). Cytogenetic location: 11p15.4.
Variant type: single nucleotide variant.
Coding change: c.92+5G>T on transcript NM_000518.5 (MANE Select); 5 bases into the intron after coding-DNA position 92, G replaced by T.
Molecular consequence: intron variant.
Genome position (GRCh38, 1-based): chr11:5,226,925, C>A on the plus strand (G>T on the coding strand, the complement: HBB is on the minus strand). VCF-style: chr11-5226925-C-A. GRCh37 (hg19) VCF-style: chr11-5248155-C-A.
Other names: IVS I-5 (G>T); IVS1, G-T, +5.
Identifiers: ClinVar variation 15448 (VCV000015448.111), dbSNP rs33915217, ClinGen allele CA125311.

ClinVar aggregate classification (germline): Pathogenic. Review status: criteria provided, multiple submitters, no conflicts (2 of 4 stars). 11 submissions from 11 submitters: Pathogenic (8). 3 of the submissions do not count toward it. Last evaluated 2025-12-26.

Conditions:
Hb SS disease (SCD). Also called: Hemoglobin SS; Sickle cell anemia; Sickle cell disease; HbS disease; Hemoglobin S Disease; Sickling disorder due to hemoglobin S. Identifiers: Orphanet 232, Orphanet 275752, MedGen C0002895, MONDO:0011382, OMIM 603903.
Heinz body anemia. Also called: Heinz body hemolytic anemia. Identifiers: Orphanet 178330, MedGen C0700299, MONDO:0007705, OMIM 140700, HP:0005511.
Dominant beta-thalassemia. Also called: Beta-thalassemia, dominant inclusion body type. Identifiers: Orphanet 231226, Orphanet 848, MedGen C1858990, MONDO:0011381, OMIM 603902.
Beta-thalassemia HBB/LCRB. Identifiers: MedGen CN322236, MONDO:0013517, OMIM 613985.
Erythrocytosis, familial, 6. Also called: POLYCYTHEMIA, BETA-GLOBIN TYPE; ERYTHROCYTOSIS, BETA-GLOBIN TYPE. Identifiers: MedGen C4693822, MONDO:0054801, OMIM 617980.
METHEMOGLOBINEMIA, BETA TYPE. Also called: Methemoglobinemia, beta-globin type. Identifiers: MedGen C1840779, OMIM 617971.
Malaria, susceptibility to. Identifiers: Orphanet 673, MedGen C1970028, MONDO:0021024, OMIM 611162.
Hereditary persistence of fetal hemoglobin. Identifiers: MedGen C0019025, MONDO:0020989, OMIM 141749.
HBB-related disorder. Also called: HBB-related disorders; HBB-related condition. Identifiers: MedGen CN239378.
beta Thalassemia (BTHAL). Also called: Cooley's anemia; Erythroblastic anemia; Mediterranean anemia. Identifiers: Orphanet 848, MedGen C0005283, MONDO:0019402. Disease mechanism: loss of function.
BETA-PLUS-THALASSEMIA. Identifiers: MedGen C3841475.

Submissions (11):

GeneDx
Classification: Pathogenic. Last evaluated: 2025-12-26. Review status: criteria provided, single submitter. Criteria: GeneDx Variant Classification Process June 2021. Collection method: clinical testing. Allele origin: germline. Affected: yes.
Comment: Intronic variant directly or indirectly altering the +5 splice site in a gene for which loss of function is a known mechanism of disease, and splice predictors support a deleterious effect; Not observed at significant frequency in large population cohorts (gnomAD); This variant is associated with the following publications: (PMID: 23348723, 22975760, 25525159, 9163586, 2577233, 33092414, 2439149)

Natera, Inc.
Classification: Pathogenic for Beta thalassemia. Last evaluated: 2025-08-20. Review status: criteria provided, single submitter. Criteria: Natera Variant Classification Schema (03/2026). Collection method: clinical testing. Allele origin: germline.
Comment: The c.92+5G>T variant in HBB is an intronic variant located outside the canonical splice sites. This variant is rare in the general population with a frequency below the threshold expected for the associated phenotype(s). This variant has been observed in one or more individuals affected with the associated recessive disease, as either homozygous or compound heterozygous with a second variant (PMID: 2439149, 9163586, 19205970). Functional studies show that this variant may disrupt protein function (PMID: 2439149). Given the available evidence, this variant is classified as Pathogenic.

ARUP Laboratories, Molecular Genetics and Genomics, ARUP Laboratories
Classification: Pathogenic. Last evaluated: 2025-07-28. Review status: criteria provided, single submitter. Criteria: ARUP Molecular Germline Variant Investigation Process 2024. Collection method: clinical testing. Allele origin: germline.
Comment: The HBB c.92+5G>T variant (rs33915217, HbVar ID: 825), also known as IVS-I-5 (G->T), has been reported in the homozygous or compound heterozygous state in several individuals affected with beta(+) thalassemia (Atweh 1987, HbVar database and references therein). Functional studies indicate that the variant causes aberrant splicing of the HBB transcript and reduction of full-length mRNA (Atweh 1987). The variant is listed as pathogenic in ClinVar (Variation ID: 15448), and observed once in the Genome Aggregation Database (1/251204 alleles). Consistent with functional studies, computational analyses (Alamut v.2.11) predict that this variant impacts splicing by weakening the nearby canonical donor splice site. Based on available information, the variant c.92+5G>T is classified as pathogenic. References: Link to HbVar database: Atweh G et al. A new mutation in IVS-1 of the human beta globin gene causing beta thalassemia due to abnormal splicing. Blood. 1987; 70(1):147-51. PMID: 2439149.

PreventionGenetics, part of Exact Sciences
Classification: Pathogenic for HBB-related condition. Last evaluated: 2025-04-29. Review status: criteria provided, single submitter. Criteria: ACMG Guidelines, 2015. Collection method: clinical testing. Allele origin: germline.
Comment: The HBB c.92+5G>T variant is predicted to interfere with splicing. This variant is alternatively referred to as IVS-1-5 (G>T) using legacy nomenclature. This variant is well reported in multiple individuals with beta thalassaemia (Lay Thein. 2013. PubMed ID: 23637309; Huisman. 1997. PubMed ID: 9401495; Diaz-Chico et al. 1988. PubMed ID: 2446680). This variant is reported in 0.00088% of alleles in individuals of European (Non-Finnish) descent in gnomAD. This variant is interpreted as pathogenic.

Women's Health and Genetics/Laboratory Corporation of America, LabCorp
Classification: Pathogenic for beta Thalassemia. Last evaluated: 2025-03-05. Review status: criteria provided, single submitter. Criteria: LabCorp Variant Classification Summary - May 2015. Collection method: clinical testing. Allele origin: germline.
Comment: Variant summary: HBB c.92+5G>T alters a non-conserved nucleotide located close to a canonical splice site and therefore could affect mRNA splicing, leading to a significantly altered protein sequence. Several computational tools predict a significant impact on normal splicing: Two predict the variant abolishes a 5' splicing donor site. One predict the variant weakens a 5' donor site. At least one publication reports experimental evidence that this variant affects mRNA splicing, showing partial inactivation of the normal donor splice site of lVS-1 and activation of two major and one minor cryptic splice sites in HeLa cells (Atweh_1987). The variant allele was found at a frequency of 4e-06 in 251204 control chromosomes. c.92+5G>T has been reported in the literature in multiple individuals affected with Beta Thalassemia, with a high incidence in the South Indian population (e.g. Bashyam_2004, Atweh_1987, Eigel_1989, El-Harth_1999, Bashyam_2004, Hoppe_2013, Donaldson_2000, Gonzalez-Redondo_1991). These data indicate that the variant is very likely to be associated with disease. The following publications have been ascertained in the context of this evaluation (PMID: , 23590658, 10636742, 2703241, 15278762). ClinVar contains an entry for this variant (Variation ID: 15448). Based on the evidence outlined above, the variant was classified as pathogenic.

Fulgent Genetics
Classification: Pathogenic for Heinz body anemia; Hereditary persistence of fetal hemoglobin; Dominant beta-thalassemia; Hb SS disease; Malaria, susceptibility to; Beta-thalassemia HBB/LCRB; METHEMOGLOBINEMIA, BETA TYPE; Erythrocytosis, familial, 6. Last evaluated: 2024-05-10. Review status: criteria provided, single submitter. Criteria: ACMG Guidelines, 2015. Collection method: clinical testing. Allele origin: germline.

Labcorp Genetics (formerly Invitae), Labcorp
Classification: Pathogenic. Last evaluated: 2023-12-06. Review status: criteria provided, single submitter. Criteria: Invitae Variant Classification Sherloc (09022015). Collection method: clinical testing. Allele origin: germline.
Comment: This sequence change falls in intron 1 of the HBB gene. It does not directly change the encoded amino acid sequence of the HBB protein. RNA analysis indicates that this variant induces altered splicing and may result in an absent or disrupted protein product. This variant is present in population databases (rs33915217, gnomAD 0.0009%). This variant has been observed in individuals with beta-thalassemia (PMID: 2439149). ClinVar contains an entry for this variant (Variation ID: 15448). Variants that disrupt the consensus splice site are a relatively common cause of aberrant splicing (PMID: 17576681, 9536098). Studies have shown that this variant results in alternate splicing and introduces a premature termination codon (PMID: 2439149). The resulting mRNA is expected to undergo nonsense-mediated decay. This variant disrupts the c.92+5G nucleotide in the HBB gene. Other variant(s) that disrupt this nucleotide have been determined to be pathogenic (PMID: 2200760, 3021139, 23162295, 27263053). This suggests that this nucleotide is clinically significant, and that variants that disrupt this position are likely to be disease-causing. For these reasons, this variant has been classified as Pathogenic.

Quest Diagnostics Nichols Institute San Juan Capistrano
Classification: Pathogenic. Last evaluated: 2016-09-07. Review status: criteria provided, single submitter. Criteria: Quest Diagnostics criteria. Collection method: clinical testing. Allele origin: germline.

The ITHANET community portal, The Cyprus Institute of Neurology and Genetics
Classification: Pathogenic for beta Thalassemia. Last evaluated: 2019-11-25. Review status: no assertion criteria provided. Collection method: curation. Allele origin: germline. Not counted in ClinVar's aggregate classification.

Counsyl
Classification: Pathogenic for Beta-thalassemia HBB/LCRB. Last evaluated: 2015-09-03. Review status: no assertion criteria provided. Collection method: clinical testing. Allele origin: unknown. Not counted in ClinVar's aggregate classification.

OMIM
Classification: Pathogenic for BETA-PLUS-THALASSEMIA. Last evaluated: 1989-03-01. Review status: no assertion criteria provided. Collection method: literature only. Allele origin: germline. Not counted in ClinVar's aggregate classification.

Literature cited by the submitters: PubMed 2439149 (cited by 7 submitters); PubMed 9163586 (cited by Natera, Inc.); PubMed 19205970 (cited by Natera, Inc.); PubMed 2539344 (cited by Women's Health and Genetics/Laboratory Corporation of America, LabCorp); PubMed 15278762 (cited by Women's Health and Genetics/Laboratory Corporation of America, LabCorp and Counsyl); PubMed 2703241 (cited by 5 submitters); PubMed 10636742 (cited by Women's Health and Genetics/Laboratory Corporation of America, LabCorp); PubMed 23590658 (cited by Women's Health and Genetics/Laboratory Corporation of America, LabCorp); PubMed 10691857 (cited by Women's Health and Genetics/Laboratory Corporation of America, LabCorp); PubMed 17576681 (cited by Labcorp Genetics (formerly Invitae), Labcorp); PubMed 9536098 (cited by Labcorp Genetics (formerly Invitae), Labcorp); PubMed 2200760 (cited by Labcorp Genetics (formerly Invitae), Labcorp); PubMed 3021139 (cited by Labcorp Genetics (formerly Invitae), Labcorp); PubMed 23162295 (cited by Labcorp Genetics (formerly Invitae), Labcorp); PubMed 27263053 (cited by Labcorp Genetics (formerly Invitae), Labcorp); PubMed 2458145 (cited by OMIM).